The following is an entry in ClinVar:

ClinVar aggregate classification (germline): Pathogenic/Likely pathogenic. Review status: criteria provided, multiple submitters, no conflicts (2 of 4 stars). 13 submissions from 13 submitters: Pathogenic (5); Likely pathogenic (5). 3 of the submissions do not count toward it. Last evaluated 2025-02-13.

Conditions:
Galloway-Mowat syndrome 3. Identifiers: MedGen C4540266, MONDO:0033007, OMIM 617729.
OSGEP-related disorder. Also called: OSGEP-related condition.

Allele frequency attached by ClinVar (database versions not stated): 1000 Genomes Project 30x 0.00016; 1000 Genomes Project 0.00020; ExAC 0.00023; gnomAD exomes 0.00029 and 0.00047; gnomAD 0.00036 and 0.00038; TOPMed 0.00037; ESP Exome Variant Server 0.00038.
gnomAD v4.1: 732 of 1,613,884 alleles (0.045%); highest among the groups gnomAD compares: Non-Finnish European, 0.06%; no homozygotes.

Submissions (13):

Labcorp Genetics (formerly Invitae), Labcorp
Classification: Pathogenic. Last evaluated: 2025-02-13. Review status: criteria provided, single submitter. Criteria: Invitae Variant Classification Sherloc (09022015). Collection method: clinical testing. Allele origin: germline.
Comment: This sequence change replaces cysteine, which is neutral and slightly polar, with arginine, which is basic and polar, at codon 110 of the OSGEP protein (p.Cys110Arg). This variant is present in population databases (rs140076803, gnomAD 0.06%). This missense change has been observed in individuals with Galloway-Mowat syndrome (PMID: 28805828). ClinVar contains an entry for this variant (Variation ID: 444887). Invitae Evidence Modeling of protein sequence and biophysical properties (such as structural, functional, and spatial information, amino acid conservation, physicochemical variation, residue mobility, and thermodynamic stability) indicates that this missense variant is expected to disrupt OSGEP protein function with a positive predictive value of 80%. Experimental studies have shown that this missense change affects OSGEP function (PMID: 28805828). For these reasons, this variant has been classified as Pathogenic.

PreventionGenetics, part of Exact Sciences
Classification: Pathogenic for OSGEP-related condition. Last evaluated: 2025-01-02. Review status: criteria provided, single submitter. Criteria: ACMG Guidelines, 2015. Collection method: clinical testing. Allele origin: germline.
Comment: The OSGEP c.328T>C variant is predicted to result in the amino acid substitution p.Cys110Arg. This variant has been reported in heterozygous state with another pathogenic variant in the OSGEP gene in several patients with Galloway-Mowat syndrome 3 and is considered a founder variant in the European population (Braun et al. 2017. PubMed ID: 28805828; Baker et al. 2022. PubMedID: 36063408). This variant is reported in 0.056% of alleles in individuals of European (Non-Finnish) descent in gnomAD. This variant is interpreted as pathogenic.

GeneDx
Classification: Likely pathogenic. Last evaluated: 2024-11-21. Review status: criteria provided, single submitter. Criteria: GeneDx Variant Classification Process June 2021. Collection method: clinical testing. Allele origin: germline. Affected: yes.
Comment: In silico analysis supports that this missense variant has a deleterious effect on protein structure/function; This variant is associated with the following publications: (PMID: 28805828, 36587794, 36063408, 36362385, 35783322, 39410922)

Women's Health and Genetics/Laboratory Corporation of America, LabCorp
Classification: Pathogenic for Galloway-Mowat syndrome 3. Last evaluated: 2024-10-30. Review status: criteria provided, single submitter. Criteria: LabCorp Variant Classification Summary - May 2015. Collection method: clinical testing. Allele origin: germline.
Comment: Variant summary: OSGEP c.328T>C (p.Cys110Arg) results in a non-conservative amino acid change in the encoded protein sequence. Five of five in-silico tools predict a damaging effect of the variant on protein function. The variant allele was found at a frequency of 0.00029 in 251236 control chromosomes (gnomAD). This frequency is not significantly higher than estimated for a pathogenic variant in OSGEP causing Galloway-Mowat Syndrome 3, allowing no conclusion about variant significance. c.328T>C has been reported in the literature in individuals affected with Galloway-Mowat Syndrome 3 (e.g. Braun_2017, Baker_2022). These data indicate that the variant is likely to be associated with disease. At least one publication reports experimental evidence evaluating an impact on protein function, finding that the variant protein completely failed to rescue cell proliferation in OSGEP knockdown yeast cells (Braun_2017). The following publications have been ascertained in the context of this evaluation (PMID: 28805828, 36063408). ClinVar contains an entry for this variant (Variation ID: 444887). Based on the evidence outlined above, the variant was classified as pathogenic.

Fulgent Genetics
Classification: Likely pathogenic for Galloway-Mowat syndrome 3. Last evaluated: 2024-04-12. Review status: criteria provided, single submitter. Criteria: ACMG Guidelines, 2015. Collection method: clinical testing. Allele origin: germline.

Revvity Omics, Revvity
Classification: Likely pathogenic for Galloway-Mowat syndrome 3. Last evaluated: 2024-03-28. Review status: criteria provided, single submitter. Criteria: ACMG Guidelines, 2015. Collection method: clinical testing. Allele origin: germline.

Clinical Genetics Laboratory, Skane University Hospital Lund
Classification: Pathogenic. Last evaluated: 2024-01-19. Review status: criteria provided, single submitter. Criteria: ACMG Guidelines, 2015. Collection method: clinical testing. Allele origin: germline. Affected: yes.

Department of Pathology and Laboratory Medicine, Sinai Health System
Classification: Pathogenic for Galloway-Mowat syndrome 3. Last evaluated: 2023-06-29. Review status: criteria provided, single submitter. Criteria: ACMG Guidelines, 2015. Collection method: research. Allele origin: germline.

Greenwood Genetic Center Diagnostic Laboratories, Greenwood Genetic Center
Classification: Likely pathogenic for Galloway-Mowat syndrome 3. Last evaluated: 2022-03-31. Review status: criteria provided, single submitter. Criteria: ACMG Guidelines, 2015. Collection method: clinical testing. Allele origin: germline. Affected: yes.
Comment: PS3, PM3, PP3

Laboratorio de Genetica e Diagnostico Molecular, Hospital Israelita Albert Einstein
Classification: Likely pathogenic. Last evaluated: 2020-03-28. Review status: criteria provided, single submitter. Criteria: ACMG Guidelines, 2015. Collection method: clinical testing. Allele origin: germline. Affected: yes.
Comment: ACMG classification criteria: PS4, PM2, PM3, PP3

OMIM
Classification: Pathogenic for GALLOWAY-MOWAT SYNDROME 3. Last evaluated: 2017-10-26. Review status: no assertion criteria provided. Collection method: literature only. Allele origin: germline. Not counted in ClinVar's aggregate classification.

Genome Diagnostics Laboratory, Amsterdam University Medical Center
Classification: Likely pathogenic. Review status: no assertion criteria provided. Collection method: clinical testing. Allele origin: germline. Affected: yes. Study: VKGL Data-share Consensus. Not counted in ClinVar's aggregate classification.

Joint Genome Diagnostic Labs from Nijmegen and Maastricht, Radboudumc and MUMC+
Classification: Pathogenic. Review status: no assertion criteria provided. Collection method: clinical testing. Allele origin: germline. Affected: yes. Study: VKGL Data-share Consensus. Not counted in ClinVar's aggregate classification.

Literature cited by the submitters: PubMed 28805828 (cited by 3 submitters); PubMed 36063408 (cited by Women's Health and Genetics/Laboratory Corporation of America, LabCorp).

NM_017807.4(OSGEP):c.328T>C (p.Cys110Arg)

Genes: OSGEP (O-sialoglycoprotein endopeptidase; minus strand), LOC107372315 (OSGEP/APEX1 bi-directional promoter region; plus strand). Cytogenetic location: 14q11.2.
Variant type: single nucleotide variant.
Coding change: c.328T>C on transcript NM_017807.4 (MANE Select); coding-DNA position 328, T replaced by C.
Protein change: p.Cys110Arg; replaces cysteine 110 with arginine.
Molecular consequence: missense variant.
Genome position (GRCh38, 1-based): chr14:20,452,057, A>G on the plus strand (T>C on the coding strand, the complement: OSGEP is on the minus strand). VCF-style: chr14-20452057-A-G. GRCh37 (hg19) VCF-style: chr14-20920216-A-G.
Other names: short protein forms C110R.
Identifiers: ClinVar variation 444887 (VCV000444887.28), dbSNP rs140076803, ClinGen allele CA7081271.